The following is an entry in ClinVar:

NM_001256715.2(DNAAF3):c.1157C>G (p.Ala386Gly)

Genes: DNAAF3 (dynein axonemal assembly factor 3; minus strand), DNAAF3-AS1 (DNAAF3 antisense RNA 1; plus strand). Cytogenetic location: 19q13.42.
Variant type: single nucleotide variant.
Coding change: c.1157C>G on transcript NM_001256715.2 (MANE Select); coding-DNA position 1157, C replaced by G.
Protein change: p.Ala386Gly; replaces alanine 386 with glycine.
Molecular consequence: missense variant.
Genome position (GRCh38, 1-based): chr19:55,159,905, G>C on the plus strand (C>G on the coding strand, the complement: DNAAF3 is on the minus strand). VCF-style: chr19-55159905-G-C. GRCh37 (hg19) VCF-style: chr19-55671273-G-C.
Other names: c.1358C>G, p.Ala453Gly (NM_001256714.1); c.995C>G, p.Ala332Gly (NM_001256716.2); c.1298C>G, p.Ala433Gly (NM_178837.4); short protein forms A386G, A433G, A453G, A332G.
Identifiers: ClinVar variation 1770737 (VCV001770737.3), dbSNP rs759305002, ClinGen allele CA407448952.

ClinVar aggregate classification (germline): Uncertain significance (1 of 4 stars; one submission).

Conditions:
Primary ciliary dyskinesia. Also called: Ciliary dyskinesia. Identifiers: Orphanet 244, MedGen C0008780, MONDO:0016575, HP:0012265.

Submission:

Ambry Genetics
Classification: Uncertain significance for Primary ciliary dyskinesia. Last evaluated: 2022-04-19. Review status: criteria provided, single submitter. Criteria: Ambry Variant Classification Scheme 2023. Collection method: clinical testing. Allele origin: germline.
Comment: The p.A453G variant (also known as c.1358C>G), located in coding exon 10 of the DNAAF3 gene, results from a C to G substitution at nucleotide position 1358. The alanine at codon 453 is replaced by glycine, an amino acid with similar properties. This amino acid position is conserved. In addition, this alteration is predicted to be tolerated by in silico analysis. Since supporting evidence is limited at this time, the clinical significance of this alteration remains unclear.